The following is an entry in ClinVar:

NM_032444.4(SLX4):c.2494A>G (p.Thr832Ala)

Gene: SLX4 (SLX4 structure-specific endonuclease subunit; minus strand). Cytogenetic location: 16p13.3.
Variant type: single nucleotide variant.
Coding change: c.2494A>G on transcript NM_032444.4 (MANE Select); coding-DNA position 2494, A replaced by G.
Protein change: p.Thr832Ala; replaces threonine 832 with alanine.
Molecular consequence: missense variant.
Genome position (GRCh38, 1-based): chr16:3,591,144, T>C on the plus strand (A>G on the coding strand, the complement: SLX4 is on the minus strand). VCF-style: chr16-3591144-T-C. GRCh37 (hg19) VCF-style: chr16-3641145-T-C.
Other names: short protein forms T832A.
Identifiers: ClinVar variation 945079 (VCV000945079.9), dbSNP rs1345752601, ClinGen allele CA394523747.

ClinVar aggregate classification (germline): Uncertain significance (1 of 4 stars; one submission).

Conditions:
Fanconi anemia (FA). Also called: Fanconi's anemia. Identifiers: Orphanet 84, MedGen C0015625, MeSH D005199, MONDO:0019391.

Submission:

Labcorp Genetics (formerly Invitae), Labcorp
Classification: Uncertain significance for Fanconi anemia. Last evaluated: 2019-05-02. Review status: criteria provided, single submitter. Criteria: Invitae Variant Classification Sherloc (09022015). Collection method: clinical testing. Allele origin: germline.
Comment: This sequence change replaces threonine with alanine at codon 832 of the SLX4 protein (p.Thr832Ala). The threonine residue is weakly conserved and there is a small physicochemical difference between threonine and alanine. This variant is not present in population databases (ExAC no frequency). This variant has not been reported in the literature in individuals with SLX4-related conditions. Algorithms developed to predict the effect of missense changes on protein structure and function output the following: SIFT: "Tolerated"; PolyPhen-2: "Benign"; Align-GVGD: "Class C0". The alanine amino acid residue is found in multiple mammalian species, suggesting that this missense change does not adversely affect protein function. These predictions have not been confirmed by published functional studies and their clinical significance is uncertain. In summary, the available evidence is currently insufficient to determine the role of this variant in disease. Therefore, it has been classified as a Variant of Uncertain Significance.